The following is an entry in ClinVar:

NM_152703.5(SAMD9L):c.825T>A (p.Ser275Arg)

Gene: SAMD9L (sterile alpha motif domain containing 9 like; minus strand). Cytogenetic location: 7q21.2.
Variant type: single nucleotide variant.
Coding change: c.825T>A on transcript NM_152703.5 (MANE Select); coding-DNA position 825, T replaced by A.
Protein change: p.Ser275Arg; replaces serine 275 with arginine.
Molecular consequence: missense variant.
Genome position (GRCh38, 1-based): chr7:93,135,147, A>T on the plus strand (T>A on the coding strand, the complement: SAMD9L is on the minus strand). VCF-style: chr7-93135147-A-T. GRCh37 (hg19) VCF-style: chr7-92764460-A-T.
Other names: c.825T>A, p.Ser275Arg (NM_001303496.3, NM_001303497.3, NM_001303498.3 and 5 more transcripts); short protein forms S275R.
Identifiers: ClinVar variation 2753300 (VCV002753300.3), dbSNP rs2535433785, ClinGen allele CA368200559.

ClinVar aggregate classification (germline): Uncertain significance (1 of 4 stars; one submission).

Submission:

Labcorp Genetics (formerly Invitae), Labcorp
Classification: Uncertain significance. Last evaluated: 2023-08-17. Review status: criteria provided, single submitter. Criteria: Invitae Variant Classification Sherloc (09022015). Collection method: clinical testing. Allele origin: germline.
Comment: This sequence change replaces serine, which is neutral and polar, with arginine, which is basic and polar, at codon 275 of the SAMD9L protein (p.Ser275Arg). This variant is not present in population databases (gnomAD no frequency). This variant has not been reported in the literature in individuals affected with SAMD9L-related conditions. An algorithm developed to predict the effect of missense changes on protein structure and function (PolyPhen-2) suggests that this variant is likely to be tolerated. In summary, the available evidence is currently insufficient to determine the role of this variant in disease. Therefore, it has been classified as a Variant of Uncertain Significance.